The following is an entry in ClinVar:

ClinVar aggregate classification (germline): Uncertain significance (1 of 4 stars; one submission).

Submission:

Labcorp Genetics (formerly Invitae), Labcorp
Classification: Uncertain significance. Last evaluated: 2020-11-17. Review status: criteria provided, single submitter. Criteria: Invitae Variant Classification Sherloc (09022015). Collection method: clinical testing. Allele origin: germline.
Comment: This variant is not present in population databases (ExAC no frequency). This sequence change replaces serine with isoleucine at codon 128 of the ERCC3 protein (p.Ser128Ile). The serine residue is highly conserved and there is a large physicochemical difference between serine and isoleucine. This variant has not been reported in the literature in individuals with ERCC3-related conditions. In summary, the available evidence is currently insufficient to determine the role of this variant in disease. Therefore, it has been classified as a Variant of Uncertain Significance. Algorithms developed to predict the effect of missense changes on protein structure and function are either unavailable or do not agree on the potential impact of this missense change (SIFT: "Deleterious"; PolyPhen-2: "Probably Damaging"; Align-GVGD: "Class C0").

NM_000122.2(ERCC3):c.383G>T (p.Ser128Ile)

Gene: ERCC3 (ERCC excision repair 3, TFIIH core complex helicase subunit; minus strand). Cytogenetic location: 2q14.3.
Variant type: single nucleotide variant.
Coding change: c.383G>T on transcript NM_000122.2 (MANE Select); coding-DNA position 383, G replaced by T.
Protein change: p.Ser128Ile; replaces serine 128 with isoleucine.
Molecular consequence: missense variant.
Genome position (GRCh38, 1-based): chr2:127,292,698, C>A on the plus strand (G>T on the coding strand, the complement: ERCC3 is on the minus strand). VCF-style: chr2-127292698-C-A. GRCh37 (hg19) VCF-style: chr2-128050274-C-A.
Other names: c.191G>T, p.Ser64Ile (NM_001303416.2, NM_001303418.2); short protein forms S128I, S64I.
Identifiers: ClinVar variation 1423950 (VCV001423950.8), dbSNP rs2104781091, ClinGen allele CA348391646.
Genomic context (GRCh38, chr2:127,292,698, plus strand): 5'-ACTCCAGTCTTGCTGAGCTTCCTGAGGTACTCGGTGATGTCACTGGTTTGCAGCCCAACG[C>A]TGACAGCTGCATACAAGGAGTAGGCAGTTAGTTTGTACTCATGCACATGGGTTGGTCGGC-3'
Protein context (NP_000113.1, residues 118-138): LTAYSLYAAV[Ser128Ile]VGLQTSDITE